The following is an entry in ClinVar:

ClinVar aggregate classification (germline): Likely benign. Review status: criteria provided, single submitter (1 of 4 stars). 2 submissions from 2 submitters: Likely benign (1). 1 of the submissions does not count toward it. Last evaluated 2025-03-31.

Conditions:
SEMA3E-related disorder. Also called: SEMA3E-related condition.
CHARGE syndrome (CHARGE). Also called: Hittner Hirsch Kreh syndrome; CHARGE ASSOCIATION--COLOBOMA, HEART ANOMALY, CHOANAL ATRESIA, RETARDATION, GENITAL AND EAR ANOMALIES; Coloboma, heart anomaly, choanal atresia, retardation, genital and ear anomalies; CHARGE association; Hall-Hittner syndrome. Identifiers: Orphanet 138, MedGen C0265354, MONDO:0008965.

Allele frequency attached by ClinVar (database versions not stated): gnomAD exomes below 0.00001; gnomAD 0.00001; TOPMed 0.00001.
gnomAD v4.1: 4 of 1,612,948 alleles (0.00025%); highest among the groups gnomAD compares: Admixed American, 0.0067%; no homozygotes.

Submissions (2):

Labcorp Genetics (formerly Invitae), Labcorp
Classification: Likely benign for CHARGE syndrome. Last evaluated: 2025-03-31. Review status: criteria provided, single submitter. Criteria: Invitae Variant Classification Sherloc (09022015). Collection method: clinical testing. Allele origin: germline.

PreventionGenetics, part of Exact Sciences
Classification: Likely benign for SEMA3E-related condition. Last evaluated: 2024-08-12. Review status: no assertion criteria provided. Collection method: clinical testing. Allele origin: germline. Not counted in ClinVar's aggregate classification.
Comment: This variant is classified as likely benign based on ACMG/AMP sequence variant interpretation guidelines (Richards et al. 2015 PMID: 25741868, with internal and published modifications).

NM_012431.3(SEMA3E):c.1876-8T>C

Gene: SEMA3E (semaphorin 3E; minus strand). Cytogenetic location: 7q21.11.
Variant type: single nucleotide variant.
Coding change: c.1876-8T>C on transcript NM_012431.3 (MANE Select); 8 bases into the intron before coding-DNA position 1876, T replaced by C.
Molecular consequence: intron variant.
Genome position (GRCh38, 1-based): chr7:83,368,046, A>G on the plus strand (T>C on the coding strand, the complement: SEMA3E is on the minus strand). VCF-style: chr7-83368046-A-G. GRCh37 (hg19) VCF-style: chr7-82997362-A-G.
Other names: c.1696-8T>C (NM_001178129.2); c.1876-8T>C (NM_012431.2).
Identifiers: ClinVar variation 2021424 (VCV002021424.5), dbSNP rs939171816, ClinGen allele CA161146305.
Genomic context (GRCh38, chr7:83,368,046, plus strand): 5'-CTTAGGAAGAGTAAACCAAGGTCCATCTTAACCACTCTGTCATCTGTCTTCACCTGCAAA[A>G]ACAAAAAAGTAAATGGCACTGAAGTACACAGGAGAGAAAATAACAATCCATCACCCTTTC-3'